The following is an entry in ClinVar:

ClinVar aggregate classification (germline): Likely benign. Review status: criteria provided, single submitter (1 of 4 stars). 2 submissions from 2 submitters: Likely benign (1). 1 of the submissions does not count toward it. Last evaluated 2017-12-04.

Conditions:
REN-related disorder. Also called: REN-related condition.

Allele frequency attached by ClinVar (database versions not stated): TOPMed below 0.00001; gnomAD 0.00001.
gnomAD v4.1: 3 of 1,613,266 alleles (0.00019%); highest among the groups gnomAD compares: African/African-American, 0.0027%; no homozygotes.

Submissions (2):

Labcorp Genetics (formerly Invitae), Labcorp
Classification: Likely benign. Last evaluated: 2017-12-04. Review status: criteria provided, single submitter. Criteria: Invitae Variant Classification Sherloc (09022015). Collection method: clinical testing. Allele origin: germline.

PreventionGenetics, part of Exact Sciences
Classification: Likely benign for REN-related condition. Last evaluated: 2022-11-03. Review status: no assertion criteria provided. Collection method: clinical testing. Allele origin: germline. Not counted in ClinVar's aggregate classification.
Comment: This variant is classified as likely benign based on ACMG/AMP sequence variant interpretation guidelines (Richards et al. 2015 PMID: 25741868, with internal and published modifications).

NM_000537.4(REN):c.969G>T (p.Val323=)

Gene: REN (renin; minus strand). Cytogenetic location: 1q32.1.
Variant type: single nucleotide variant.
Coding change: c.969G>T on transcript NM_000537.4 (MANE Select); coding-DNA position 969, G replaced by T.
Protein change: p.Val323=; no amino-acid change (valine 323 retained).
Molecular consequence: synonymous variant.
Genome position (GRCh38, 1-based): chr1:204,155,910, C>A on the plus strand (G>T on the coding strand, the complement: REN is on the minus strand). VCF-style: chr1-204155910-C-A. GRCh37 (hg19) VCF-style: chr1-204125038-C-A.
Identifiers: ClinVar variation 729102 (VCV000729102.5), dbSNP rs1225177909, ClinGen allele CA422834556.